The following is an entry in ClinVar:

ClinVar aggregate classification (germline): Benign. Review status: criteria provided, single submitter (1 of 4 stars). 2 submissions from 2 submitters: Benign (1). 1 of the submissions does not count toward it. Last evaluated 2019-12-31.

Conditions:
YTHDC2-related disorder. Also called: YTHDC2-related condition.

Allele frequency attached by ClinVar (database versions not stated): gnomAD exomes 0.00149; ExAC 0.00238; 1000 Genomes Project 30x 0.00531; 1000 Genomes Project 0.00559; ESP Exome Variant Server 0.00615; gnomAD 0.00654 and 0.00716; TOPMed 0.00705.
gnomAD v4.1: 1,883 of 1,605,508 alleles (0.12%); highest among the groups gnomAD compares: African/African-American, 2.2%; 18 homozygotes.

Submissions (2):

Labcorp Genetics (formerly Invitae), Labcorp
Classification: Benign. Last evaluated: 2019-12-31. Review status: criteria provided, single submitter. Criteria: Invitae Variant Classification Sherloc (09022015). Collection method: clinical testing. Allele origin: germline.

PreventionGenetics, part of Exact Sciences
Classification: Benign for YTHDC2-related condition. Last evaluated: 2019-04-24. Review status: no assertion criteria provided. Collection method: clinical testing. Allele origin: germline. Not counted in ClinVar's aggregate classification.
Comment: This variant is classified as benign based on ACMG/AMP sequence variant interpretation guidelines (Richards et al. 2015 PMID: 25741868, with internal and published modifications).

NM_022828.5(YTHDC2):c.35C>T (p.Pro12Leu)

Gene: YTHDC2 (YTH N6-methyladenosine RNA binding protein C2; plus strand). Cytogenetic location: 5q22.2.
Variant type: single nucleotide variant.
Coding change: c.35C>T on transcript NM_022828.5 (MANE Select); coding-DNA position 35, C replaced by T.
Protein change: p.Pro12Leu; replaces proline 12 with leucine.
Molecular consequence: missense variant. On other transcripts: 5 prime UTR variant (2).
Genome position (GRCh38, 1-based): chr5:113,513,930, C>T. VCF-style: chr5-113513930-C-T. GRCh37 (hg19) VCF-style: chr5-112849627-C-T.
Other names: c.-255C>T (NM_001345975.2); c.-469C>T (NM_001345976.2); c.35C>T (NM_022828.4); short protein forms P12L.
Identifiers: ClinVar variation 776057 (VCV000776057.6), dbSNP rs116615892, ClinGen allele CA3371322.